The following is an entry in ClinVar:

ClinVar aggregate classification (germline): Uncertain significance (1 of 4 stars; one submission).

Conditions:
Hereditary cancer-predisposing syndrome. Also called: Tumor predisposition; Hereditary Cancer Syndrome; Hereditary neoplastic syndrome; Neoplastic Syndromes, Hereditary. Identifiers: Orphanet 140162, MedGen C0027672, MeSH D009386, MONDO:0015356.

Submission:

Ambry Genetics
Classification: Uncertain significance for Hereditary cancer-predisposing syndrome. Last evaluated: 2024-04-16. Review status: criteria provided, single submitter. Criteria: Ambry Variant Classification Scheme 2023. Collection method: clinical testing. Allele origin: germline.
Comment: The p.V957G variant (also known as c.2870T>G), located in coding exon 12 of the MET gene, results from a T to G substitution at nucleotide position 2870. The valine at codon 957 is replaced by glycine, an amino acid with dissimilar properties. This amino acid position is conserved. In addition, the in silico prediction for this alteration is inconclusive. Based on the available evidence, the clinical significance of this variant remains unclear.

NM_000245.4(MET):c.2816T>G (p.Val939Gly)

Gene: MET (MET proto-oncogene, receptor tyrosine kinase; plus strand). Cytogenetic location: 7q31.2.
Variant type: single nucleotide variant.
Coding change: c.2816T>G on transcript NM_000245.4 (MANE Select); coding-DNA position 2816, T replaced by G.
Protein change: p.Val939Gly; replaces valine 939 with glycine.
Molecular consequence: missense variant.
Genome position (GRCh38, 1-based): chr7:116,771,583, T>G. VCF-style: chr7-116771583-T-G. GRCh37 (hg19) VCF-style: chr7-116411637-T-G.
Other names: c.2870T>G, p.Val957Gly (NM_001127500.3); c.1526T>G, p.Val509Gly (NM_001324402.2); short protein forms V957G, V509G, V939G.
Identifiers: ClinVar variation 3294336 (VCV003294336.1).